The following is an entry in ClinVar:

ClinVar aggregate classification (germline): Pathogenic (1 of 4 stars; one submission).

Allele frequency attached by ClinVar (database versions not stated): gnomAD exomes below 0.00001.
gnomAD v4.1: 1 of 1,613,130 alleles (0.000062%); highest among the groups gnomAD compares: Non-Finnish European, 0.000085%; no homozygotes.

Submission:

Labcorp Genetics (formerly Invitae), Labcorp
Classification: Pathogenic. Last evaluated: 2022-08-31. Review status: criteria provided, single submitter. Criteria: Invitae Variant Classification Sherloc (09022015). Collection method: clinical testing. Allele origin: germline.
Comment: For these reasons, this variant has been classified as Pathogenic. Algorithms developed to predict the effect of sequence changes on RNA splicing suggest that this variant may create or strengthen a splice site. This variant has not been reported in the literature in individuals affected with ADGRG1-related conditions. This variant is not present in population databases (gnomAD no frequency). This sequence change creates a premature translational stop signal (p.Glu258*) in the ADGRG1 gene. It is expected to result in an absent or disrupted protein product. Loss-of-function variants in ADGRG1 are known to be pathogenic (PMID: 15044805, 20929962).

Literature cited by the submitters: PubMed 15044805; PubMed 20929962.

NM_201525.4(ADGRG1):c.772G>T (p.Glu258Ter)

Gene: ADGRG1 (adhesion G protein-coupled receptor G1; plus strand). Cytogenetic location: 16q21.
Variant type: single nucleotide variant.
Coding change: c.772G>T on transcript NM_201525.4 (MANE Select); coding-DNA position 772, G replaced by T.
Protein change: p.Glu258Ter; replaces glutamic acid 258 with a stop codon.
Molecular consequence: nonsense.
Genome position (GRCh38, 1-based): chr16:57,655,402, G>T. VCF-style: chr16-57655402-G-T. GRCh37 (hg19) VCF-style: chr16-57689314-G-T.
Other names: c.772G>T, p.Glu258Ter (NM_001145770.3, NM_001145771.3, NM_001145772.3 and 16 more transcripts); c.787G>T, p.Glu263Ter (NM_001145773.3, NM_001370433.1); c.262G>T, p.Glu88Ter (NM_001290142.2); c.247G>T, p.Glu83Ter (NM_001290143.2, NM_001290144.2, NM_001370451.1 and 2 more transcripts); c.616G>T, p.Glu206Ter (NM_001370442.1); short protein forms E83*, E206*, E263*, E88*, E258*.
Identifiers: ClinVar variation 2028121 (VCV002028121.4), dbSNP rs2545308328, ClinGen allele CA396046981.